The following is an entry in ClinVar:

NM_000815.5(GABRD):c.818A>G (p.Gln273Arg)

Gene: GABRD (gamma-aminobutyric acid type A receptor subunit delta; plus strand). Cytogenetic location: 1p36.33.
Variant type: single nucleotide variant.
Coding change: c.818A>G on transcript NM_000815.5 (MANE Select); coding-DNA position 818, A replaced by G.
Protein change: p.Gln273Arg; replaces glutamine 273 with arginine.
Molecular consequence: missense variant.
Genome position (GRCh38, 1-based): chr1:2,029,237, A>G. VCF-style: chr1-2029237-A-G. GRCh37 (hg19) VCF-style: chr1-1960676-A-G.
Other names: c.818A>G (NM_000815.4); short protein forms Q273R.
Identifiers: ClinVar variation 1986873 (VCV001986873.5), dbSNP rs2525644578, ClinGen allele CA337959371.

ClinVar aggregate classification (germline): Uncertain significance. Review status: criteria provided, multiple submitters, no conflicts (2 of 4 stars). 2 submissions from 2 submitters: Uncertain significance (2). Last evaluated 2025-07-02.

Conditions:
Idiopathic generalized epilepsy. Also called: EIG; Generalised epilepsy. Identifiers: MedGen C0270850, MONDO:0005579, OMIM 600669.

Submissions (2):

GeneDx
Classification: Uncertain significance. Last evaluated: 2025-07-02. Review status: criteria provided, single submitter. Criteria: GeneDx Variant Classification Process June 2021. Collection method: clinical testing. Allele origin: germline. Affected: yes.
Comment: Not observed at significant frequency in large population cohorts (gnomAD); In silico analysis suggests that this missense variant does not alter protein structure/function; Has not been previously published as pathogenic or benign to our knowledge

Labcorp Genetics (formerly Invitae), Labcorp
Classification: Uncertain significance for Idiopathic generalized epilepsy. Last evaluated: 2022-04-04. Review status: criteria provided, single submitter. Criteria: Invitae Variant Classification Sherloc (09022015). Collection method: clinical testing. Allele origin: germline.
Comment: In summary, the available evidence is currently insufficient to determine the role of this variant in disease. Therefore, it has been classified as a Variant of Uncertain Significance. Algorithms developed to predict the effect of missense changes on protein structure and function are either unavailable or do not agree on the potential impact of this missense change (SIFT: "Tolerated"; PolyPhen-2: "Probably Damaging"; Align-GVGD: "Class C0"). This variant has not been reported in the literature in individuals affected with GABRD-related conditions. This variant is not present in population databases (gnomAD no frequency). This sequence change replaces glutamine, which is neutral and polar, with arginine, which is basic and polar, at codon 273 of the GABRD protein (p.Gln273Arg).